The following is an entry in ClinVar:

ClinVar aggregate classification (germline): Uncertain significance (1 of 4 stars; one submission).

Conditions:
Combined immunodeficiency due to DOCK8 deficiency (HIES2). Also called: Hyper-IgE recurrent infection syndrome, autosomal recessive; HYPER-IgE RECURRENT INFECTION SYNDROME 2, AUTOSOMAL RECESSIVE; HIES autosomal recessive; HYPER-IgE SYNDROME 2, AUTOSOMAL RECESSIVE, WITH RECURRENT INFECTIONS; DOCK8 Deficiency. Identifiers: Orphanet 217390, MedGen C4722305, MONDO:0009478, OMIM 243700.

Allele frequency attached by ClinVar (database versions not stated): TOPMed below 0.00001.

Submission:

Labcorp Genetics (formerly Invitae), Labcorp
Classification: Uncertain significance for Combined immunodeficiency due to DOCK8 deficiency. Last evaluated: 2022-07-30. Review status: criteria provided, single submitter. Criteria: Invitae Variant Classification Sherloc (09022015). Collection method: clinical testing. Allele origin: germline.
Comment: This variant is not present in population databases (gnomAD no frequency). This variant has not been reported in the literature in individuals affected with DOCK8-related conditions. In summary, the available evidence is currently insufficient to determine the role of this variant in disease. Therefore, it has been classified as a Variant of Uncertain Significance. This variant, c.2852_2853insTTG, results in the insertion of 1 amino acid(s) of the DOCK8 protein (p.Ala951_Pro952insCys), but otherwise preserves the integrity of the reading frame.

NM_203447.4(DOCK8):c.2852_2853insTTG (p.Ala951_Pro952insCys)

Gene: DOCK8 (dedicator of cytokinesis 8; plus strand). Cytogenetic location: 9p24.3.
Variant type: Insertion.
Coding change: c.2852_2853insTTG on transcript NM_203447.4 (MANE Select); coding-DNA positions 2852 to 2853, TTG inserted.
Protein change: p.Ala951_Pro952insCys.
Molecular consequence: inframe insertion. On other transcripts: intron variant (1).
Genome position: GRCh38 VCF-style: chr9-386404-C-CTTG. GRCh37 (hg19) VCF-style: chr9-386404-C-CTTG.
Other names: c.2648_2649insTTG, p.Ala883_Pro884insCys (NM_001193536.2); c.2574+3719_2574+3720insTTG (NM_001190458.2).
Identifiers: ClinVar variation 2182382 (VCV002182382.4), dbSNP rs2053954738, ClinGen allele CA1826879107.